The following is an entry in ClinVar:

NM_013254.4(TBK1):c.541-20dup

Gene: TBK1 (TANK binding kinase 1; plus strand). Cytogenetic location: 12q14.2.
Variant type: Duplication.
Coding change: c.541-20dup on transcript NM_013254.4 (MANE Select); 20 bases into the intron before coding-DNA position 541, one base duplicated (T; older notation c.541-20dupT).
Molecular consequence: intron variant.
Genome position (GRCh38, 1-based): chr12:64,474,210, T duplicated; the last of 7 consecutive T bases (chr12:64,474,204-64,474,210); duplicating any one gives the same sequence. VCF-style (leftmost placement, unchanged base first): chr12-64474203-A-AT. GRCh37 (hg19) VCF-style: chr12-64867983-A-AT.
Other names: c.541-20dupT (NM_013254.4).
Identifiers: ClinVar variation 4847860 (VCV004847860.1).

ClinVar aggregate classification (germline): Likely benign (1 of 4 stars; one submission).

Submission:

Women's Health and Genetics/Laboratory Corporation of America, LabCorp
Classification: Likely benign. Last evaluated: 2026-02-13. Review status: criteria provided, single submitter. Criteria: LabCorp Variant Classification Summary - May 2015. Collection method: clinical testing. Allele origin: germline.
Comment: Variant summary: TBK1 c.541-20dupT alters a nucleotide located at a position not widely known to affect splicing. Consensus agreement among computation tools predict no significant impact on normal splicing. However, these predictions have yet to be confirmed by functional studies. The variant allele was found at a frequency of 0.00024 in 229046 control chromosomes. This frequency is not significantly higher than estimated for disease-causing variants in TBK1, allowing no conclusion about variant significance. To our knowledge, no occurrence of c.541-20dupT in individuals affected with TBK1-related conditions and no experimental evidence demonstrating its impact on protein function have been reported. No submitters have cited clinical-significance assessments for this variant to ClinVar. Based on the evidence outlined above, the variant was classified as likely benign.